The following is an entry in ClinVar:

ClinVar aggregate classification (germline): Uncertain significance. Review status: criteria provided, multiple submitters, no conflicts (2 of 4 stars). 2 submissions from 2 submitters: Uncertain significance (2). Last evaluated 2025-02-26.

Conditions:
Pancreatic adenocarcinoma. Identifiers: MedGen C0281361, MONDO:0006047, HP:0006725.

Allele frequency attached by ClinVar (database versions not stated): gnomAD exomes 0.00001 and 0.00002; gnomAD 0.00002 and 0.00003; ExAC 0.00003; TOPMed 0.00003; ESP Exome Variant Server 0.00008; 1000 Genomes Project 30x 0.00016; 1000 Genomes Project 0.00020.
gnomAD v4.1: 11 of 1,610,608 alleles (0.00068%); highest among the groups gnomAD compares: African/African-American, 0.011%; no homozygotes.

Submissions (2):

Labcorp Genetics (formerly Invitae), Labcorp
Classification: Uncertain significance for Pancreatic adenocarcinoma. Last evaluated: 2025-02-26. Review status: criteria provided, single submitter. Criteria: Invitae Variant Classification Sherloc (09022015). Collection method: clinical testing. Allele origin: germline.
Comment: This sequence change replaces arginine, which is basic and polar, with cysteine, which is neutral and slightly polar, at codon 475 of the PALLD protein (p.Arg475Cys). This variant is present in population databases (rs367575623, gnomAD 0.02%). This variant has not been reported in the literature in individuals affected with PALLD-related conditions. ClinVar contains an entry for this variant (Variation ID: 1021424). An algorithm developed to predict the effect of missense changes on protein structure and function (PolyPhen-2) suggests that this variant is likely to be disruptive. In summary, the available evidence is currently insufficient to determine the role of this variant in disease. Therefore, it has been classified as a Variant of Uncertain Significance.

Ambry Genetics
Classification: Uncertain significance. Last evaluated: 2024-06-08. Review status: criteria provided, single submitter. Criteria: Ambry Variant Classification Scheme 2023. Collection method: clinical testing. Allele origin: germline.
Comment: The p.R962C variant (also known as c.2884C>T), located in coding exon 16 of the PALLD gene, results from a C to T substitution at nucleotide position 2884. The arginine at codon 962 is replaced by cysteine, an amino acid with highly dissimilar properties. This amino acid position is conserved. In addition, this alteration is predicted to be deleterious by in silico analysis. Since supporting evidence is limited at this time, the clinical significance of this alteration remains unclear.

NM_001166108.2(PALLD):c.2935C>T (p.Arg979Cys)

Genes: CBR4 (carbonyl reductase 4; minus strand), PALLD (palladin, cytoskeletal associated protein; plus strand). Cytogenetic location: 4q32.3.
Variant type: single nucleotide variant.
Coding change: c.2935C>T on transcript NM_001166108.2 (MANE Select); coding-DNA position 2935, C replaced by T.
Protein change: p.Arg979Cys; replaces arginine 979 with cysteine.
Molecular consequence: missense variant.
Genome position (GRCh38, 1-based): chr4:168,921,618, C>T. VCF-style: chr4-168921618-C-T. GRCh37 (hg19) VCF-style: chr4-169842769-C-T.
Other names: c.1738C>T, p.Arg580Cys (NM_001166109.2); c.1423C>T, p.Arg475Cys (NM_001166110.2); c.763C>T, p.Arg255Cys (NM_001367567.1, NM_001367569.1); c.814C>T, p.Arg272Cys (NM_001367568.1, NM_001367570.1); c.2884C>T, p.Arg962Cys (NM_016081.4); short protein forms R255C, R272C, R475C, R580C, R962C, R979C.
Identifiers: ClinVar variation 1021424 (VCV001021424.12), dbSNP rs367575623, ClinGen allele CA3135993.